The following is an entry in ClinVar:

ClinVar aggregate classification (germline): Likely pathogenic (1 of 4 stars; one submission).

Conditions:
Familial adenomatous polyposis 1 (FAP1). Also called: FAMILIAL ADENOMATOUS POLYPOSIS 1, ATTENUATED; POLYPOSIS, ADENOMATOUS INTESTINAL. Identifiers: MedGen C2713442, MONDO:0021056, OMIM 175100. Disease mechanism: loss of function.

Submission:

Labcorp Genetics (formerly Invitae), Labcorp
Classification: Likely pathogenic for Familial adenomatous polyposis 1. Last evaluated: 2022-11-03. Review status: criteria provided, single submitter. Criteria: Invitae Variant Classification Sherloc (09022015). Collection method: clinical testing. Allele origin: germline.
Comment: In summary, the currently available evidence indicates that the variant is pathogenic, but additional data are needed to prove that conclusively. Therefore, this variant has been classified as Likely Pathogenic. Algorithms developed to predict the effect of sequence changes on RNA splicing suggest that this variant may disrupt the consensus splice site. This variant has not been reported in the literature in individuals affected with APC-related conditions. This variant is not present in population databases (gnomAD no frequency). This sequence change affects a splice site in intron 4 of the APC gene. It is expected to disrupt RNA splicing. Variants that disrupt the donor or acceptor splice site typically lead to a loss of protein function (PMID: 16199547), and loss-of-function variants in APC are known to be pathogenic (PMID: 17963004, 20685668).

Literature cited by the submitters: PubMed 16199547; PubMed 17963004; PubMed 20685668.

NM_000038.6(APC):c.422+2_422+3del

Gene: APC (APC regulator of Wnt signaling pathway; plus strand). Cytogenetic location: 5q22.2.
Variant type: Deletion.
Coding change: c.422+2_422+3del on transcript NM_000038.6 (MANE Select); the canonical splice donor site of the intron after coding-DNA position 422 through 3 bases into the intron after coding-DNA position 422, 2 bases deleted (TA; older notation c.422+2_422+3delTA).
Molecular consequence: splice donor variant.
Genome position (GRCh38, 1-based): chr5:112,767,392-112,767,393, TA deleted. VCF-style (leftmost placement, unchanged base first): chr5-112767391-GTA-G. GRCh37 (hg19) VCF-style: chr5-112103088-GTA-G.
Other names: c.-614+2_-614+3del (NM_001407470.1, NM_001407472.1, NM_001354906.2 and 1 more transcripts); c.422+2_422+3del (NM_001407447.1, NM_001354895.2, NM_001407456.1 and 16 more transcripts); c.452+2_452+3del (NM_001407446.1, NM_001354897.2, NM_001354902.2 and 1 more transcripts); c.245+2_245+3del (NM_001407453.1, NM_001354900.2, NM_001354901.2 and 1 more transcripts); c.347+2_347+3del (NM_001407451.1, NM_001354898.2, NM_001354904.2).
Identifiers: ClinVar variation 2811665 (VCV002811665.3), dbSNP rs2532303454, ClinGen allele CA2739274973.